The following is an entry in ClinVar:

ClinVar aggregate classification (germline): Pathogenic/Likely pathogenic. Review status: criteria provided, multiple submitters, no conflicts (2 of 4 stars). 7 submissions from 7 submitters: Pathogenic (5); Likely pathogenic (2). Last evaluated 2026-02-26.

Conditions:
Glutaric aciduria, type 1. Also called: Glutaric acidemia type I; Glutaricacidemia Type 1; Glutaric Acidemia Type 1; Glutaricaciduria, type I; GA I; Glutaryl-CoA dehydrogenase deficiency. Identifiers: Orphanet 25, MedGen C0268595, MONDO:0009281, OMIM 231670.

Allele frequency attached by ClinVar (database versions not stated): gnomAD exomes below 0.00001.
gnomAD v4.1: 1 of 1,614,212 alleles (0.000062%); highest among the groups gnomAD compares: Admixed American, 0.0017%; no homozygotes.

Submissions (7):

Dasa
Classification: Pathogenic. Last evaluated: 2026-02-26. Review status: criteria provided, single submitter. Criteria: DASA Assertion Criteria. Collection method: clinical testing. Allele origin: germline.
Comment: NM_000159.4(GCDH):c.91+5G>A is a splice-region variant predicted to affect normal RNA splicing. This variant has been recurrently observed in individuals with related phenotype (PMID: 33064266; PMID: 7795610). Multiple computational predictions support a deleterious effect on the gene or gene product. The variant is present at low frequency in population datasets. Based on the available data, this variant is classified as pathogenic.

Laboratorio de Genetica e Diagnostico Molecular, Hospital Israelita Albert Einstein
Classification: Pathogenic for Glutaric aciduria, type 1. Last evaluated: 2025-11-06. Review status: criteria provided, single submitter. Criteria: ACMG Guidelines, 2015. Collection method: clinical testing. Allele origin: germline. Affected: yes. Observed: 1 variant allele.
Comment: ACMG classification criteria: PM2 supporting, PM3 strong, PP3, PP4 strong

Natera, Inc.
Classification: Likely pathogenic for Glutaric acidemia type 1. Last evaluated: 2024-12-18. Review status: criteria provided, single submitter. Criteria: Natera Variant Classification Schema (03/2026). Collection method: clinical testing. Allele origin: germline.
Comment: The c.91+5G>A variant in GCDH is an intronic variant located outside the canonical splice sites. This variant is rare in the general population with a frequency below the threshold expected for the associated phenotype(s). This variant has been observed in one or more individuals affected with the associated recessive disease, as either homozygous or compound heterozygous with a second variant (PMID: 33064266). Computational prediction algorithms indicate this variant is likely to affect gene or protein function. Given the available evidence, this variant is classified as Likely Pathogenic.

Baylor Genetics
Classification: Likely pathogenic for Glutaric aciduria, type 1. Last evaluated: 2024-03-16. Review status: criteria provided, single submitter. Criteria: ACMG Guidelines, 2015. Collection method: clinical testing. Allele origin: unknown.

GeneDx
Classification: Pathogenic. Last evaluated: 2024-02-02. Review status: criteria provided, single submitter. Criteria: GeneDx Variant Classification Process June 2021. Collection method: clinical testing. Allele origin: germline. Affected: yes.
Comment: Intronic +5 splice site variant in a gene for which loss of function is a known mechanism of disease, and splice predictors support a deleterious effect; Not observed at significant frequency in large population cohorts (gnomAD); This variant is associated with the following publications: (PMID: 7795610, 37020324, 33064266)

Labcorp Genetics (formerly Invitae), Labcorp
Classification: Pathogenic for Glutaric aciduria, type 1. Last evaluated: 2023-04-28. Review status: criteria provided, single submitter. Criteria: Invitae Variant Classification Sherloc (09022015). Collection method: clinical testing. Allele origin: germline.
Comment: For these reasons, this variant has been classified as Pathogenic. This variant disrupts the c.91+5G nucleotide in the GCDH gene. Other variant(s) that disrupt this nucleotide have been determined to be pathogenic (PMID: 7795610). This suggests that this nucleotide is clinically significant, and that variants that disrupt this position are likely to be disease-causing. Variants that disrupt the consensus splice site are a relatively common cause of aberrant splicing (PMID: 17576681, 9536098). Algorithms developed to predict the effect of sequence changes on RNA splicing suggest that this variant may disrupt the consensus splice site. ClinVar contains an entry for this variant (Variation ID: 647712). This variant has been observed in individual(s) with findings that are highly specific for glutaric aciduria type 1 and/or glutaric aciduria type 1 (PMID: 33064266; Invitae). This variant is present in population databases (no rsID available, gnomAD 0.003%). This sequence change falls in intron 2 of the GCDH gene. It does not directly change the encoded amino acid sequence of the GCDH protein. It affects a nucleotide within the consensus splice site.

Mendelics
Classification: Pathogenic for Glutaric aciduria, type 1. Last evaluated: 2019-05-28. Review status: criteria provided, single submitter. Criteria: Mendelics Assertion Criteria 2017. Collection method: clinical testing. Allele origin: unknown.

Literature cited by the submitters: PubMed 33064266 (cited by 3 submitters); PubMed 7795610 (cited by Dasa and Labcorp Genetics (formerly Invitae), Labcorp); PubMed 17576681 (cited by Labcorp Genetics (formerly Invitae), Labcorp); PubMed 9536098 (cited by Labcorp Genetics (formerly Invitae), Labcorp).

NM_000159.4(GCDH):c.91+5G>A

Genes: GCDH (glutaryl-CoA dehydrogenase; plus strand), LOC117125594 (CRISPRi-FlowFISH-validated KLF1 regulatory element; plus strand). Cytogenetic location: 19p13.13.
Variant type: single nucleotide variant.
Coding change: c.91+5G>A on transcript NM_000159.4 (MANE Select); 5 bases into the intron after coding-DNA position 91, G replaced by A.
Molecular consequence: intron variant.
Genome position (GRCh38, 1-based): chr19:12,891,400, G>A. VCF-style: chr19-12891400-G-A. GRCh37 (hg19) VCF-style: chr19-13002214-G-A.
Other names: c.91+5G>A (NM_013976.5).
Identifiers: ClinVar variation 647712 (VCV000647712.14), dbSNP rs952356983, ClinGen allele CA305500159.